The following is an entry in ClinVar:

NM_031229.4(RBCK1):c.653G>A (p.Arg218Gln)

Gene: RBCK1 (RANBP2-type and C3HC4-type zinc finger containing 1; plus strand). Cytogenetic location: 20p13.
Variant type: single nucleotide variant.
Coding change: c.653G>A on transcript NM_031229.4 (MANE Select); coding-DNA position 653, G replaced by A.
Protein change: p.Arg218Gln; replaces arginine 218 with glutamine.
Molecular consequence: missense variant. On other transcripts: non-coding transcript variant (1).
Genome position (GRCh38, 1-based): chr20:419,628, G>A. VCF-style: chr20-419628-G-A. GRCh37 (hg19) VCF-style: chr20-400272-G-A.
Other names: c.304G>A, p.Gly102Arg (NM_001323956.2, NM_001323958.2); c.527G>A, p.Arg176Gln (NM_006462.6); short protein forms G102R, R176Q, R218Q.
Identifiers: ClinVar variation 1382635 (VCV001382635.3), dbSNP rs764357407, ClinGen allele CA9723145.

ClinVar aggregate classification (germline): Uncertain significance (1 of 4 stars; one submission).

Conditions:
Polyglucosan body myopathy type 1 (PGBM1). Also called: Polyglucosan body myopathy 1 with or without immunodeficiency; POLYGLUCOSAN BODY MYOPATHY WITHOUT IMMUNODEFICIENCY. Identifiers: Orphanet 329173, Orphanet 397937, MedGen C4014605, MONDO:0014389, OMIM 615895.

Allele frequency attached by ClinVar (database versions not stated): gnomAD exomes below 0.00001 and 0.00001; ExAC 0.00002.
gnomAD v4.1: 6 of 1,591,954 alleles (0.00038%); highest among the groups gnomAD compares: South Asian, 0.0023%; no homozygotes.

Submission:

Labcorp Genetics (formerly Invitae), Labcorp
Classification: Uncertain significance for Polyglucosan body myopathy type 1. Last evaluated: 2021-10-20. Review status: criteria provided, single submitter. Criteria: Invitae Variant Classification Sherloc (09022015). Collection method: clinical testing. Allele origin: germline.
Comment: This sequence change replaces arginine with glutamine at codon 218 of the RBCK1 protein (p.Arg218Gln). The arginine residue is highly conserved and there is a small physicochemical difference between arginine and glutamine. This variant is present in population databases (rs764357407, ExAC 0.004%). This variant has not been reported in the literature in individuals affected with RBCK1-related conditions. Algorithms developed to predict the effect of missense changes on protein structure and function output the following: SIFT: "Not Available"; PolyPhen-2: "Benign"; Align-GVGD: "Not Available". The glutamine amino acid residue is found in multiple mammalian species, which suggests that this missense change does not adversely affect protein function. In summary, the available evidence is currently insufficient to determine the role of this variant in disease. Therefore, it has been classified as a Variant of Uncertain Significance.